The following is an entry in ClinVar:

ClinVar aggregate classification (germline): Uncertain significance. Review status: criteria provided, multiple submitters, no conflicts (2 of 4 stars). 6 submissions from 6 submitters: Uncertain significance (5). 1 of the submissions does not count toward it. Last evaluated 2025-12-08.

Conditions:
NEB-related disorder. Also called: NEB-Related Disorders; NEB-related condition.
Inborn genetic diseases. Identifiers: MedGen C0950123, MeSH D030342.
Nemaline myopathy 2 (NEM2). Also called: Nemaline myopathy 2, autosomal recessive. Identifiers: MedGen C1850569, MONDO:0009725, OMIM 256030.

Allele frequency attached by ClinVar (database versions not stated): gnomAD exomes 0.00001; ExAC 0.00002; gnomAD 0.00025; 1000 Genomes Project 30x 0.00031; 1000 Genomes Project 0.00040; TOPMed 0.00057.
gnomAD v4.1: 62 of 1,609,112 alleles (0.0039%); highest among the groups gnomAD compares: Admixed American, 0.091%; no homozygotes.

Submissions (6):

GeneDx
Classification: Uncertain significance. Last evaluated: 2025-12-08. Review status: criteria provided, single submitter. Criteria: GeneDx Variant Classification Process June 2021. Collection method: clinical testing. Allele origin: germline. Affected: yes.
Comment: Not observed at significant frequency in large population cohorts (gnomAD); In silico analysis supports that this missense variant has a deleterious effect on protein structure/function; Has not been previously published as pathogenic or benign to our knowledge

PreventionGenetics, part of Exact Sciences
Classification: Uncertain significance for NEB-related condition. Last evaluated: 2025-05-09. Review status: criteria provided, single submitter. Criteria: ACMG Guidelines, 2015. Collection method: clinical testing. Allele origin: germline.
Comment: The NEB c.19157A>G variant is predicted to result in the amino acid substitution p.Glu6386Gly. To our knowledge, this variant has not been reported in the literature. This variant is reported in 0.0058% of alleles in individuals of Latino descent in gnomAD. At this time, the clinical significance of this variant is uncertain due to the absence of conclusive functional and genetic evidence.

Ambry Genetics
Classification: Uncertain significance for Inborn genetic diseases. Last evaluated: 2024-08-20. Review status: criteria provided, single submitter. Criteria: Ambry Variant Classification Scheme 2023. Collection method: clinical testing. Allele origin: germline.

Labcorp Genetics (formerly Invitae), Labcorp
Classification: Uncertain significance for Nemaline myopathy 2. Last evaluated: 2022-10-13. Review status: criteria provided, single submitter. Criteria: Invitae Variant Classification Sherloc (09022015). Collection method: clinical testing. Allele origin: germline.
Comment: This sequence change replaces glutamic acid, which is acidic and polar, with glycine, which is neutral and non-polar, at codon 6386 of the NEB protein (p.Glu6386Gly). This variant is present in population databases (rs200056050, gnomAD 0.009%). This variant has not been reported in the literature in individuals affected with NEB-related conditions. ClinVar contains an entry for this variant (Variation ID: 465523). Algorithms developed to predict the effect of missense changes on protein structure and function are either unavailable or do not agree on the potential impact of this missense change (SIFT: "Deleterious"; PolyPhen-2: "Not Available"; Align-GVGD: "Class C0"). In summary, the available evidence is currently insufficient to determine the role of this variant in disease. Therefore, it has been classified as a Variant of Uncertain Significance.

Revvity Omics, Revvity
Classification: Uncertain significance. Last evaluated: 2019-08-07. Review status: criteria provided, single submitter. Criteria: ACMG Guidelines, 2015. Collection method: clinical testing. Allele origin: germline.

Natera, Inc.
Classification: Uncertain significance for Nemaline myopathy type 2. Last evaluated: 2019-11-11. Review status: no assertion criteria provided. Collection method: clinical testing. Allele origin: germline. Not counted in ClinVar's aggregate classification.

NM_001164508.2(NEB):c.19157A>G (p.Glu6386Gly)

Gene: NEB (nebulin; minus strand). Cytogenetic location: 2q23.3.
Variant type: single nucleotide variant.
Coding change: c.19157A>G on transcript NM_001164508.2 (MANE Select); coding-DNA position 19157, A replaced by G.
Protein change: p.Glu6386Gly; replaces glutamic acid 6386 with glycine.
Molecular consequence: missense variant.
Genome position (GRCh38, 1-based): chr2:151,561,053, T>C on the plus strand (A>G on the coding strand, the complement: NEB is on the minus strand). VCF-style: chr2-151561053-T-C. GRCh37 (hg19) VCF-style: chr2-152417567-T-C.
Other names: c.19157A>G, p.Glu6386Gly (NM_001164507.2, NM_001271208.2); c.14054A>G, p.Glu4685Gly (NM_004543.5); c.14054A>G (NM_004543.4); short protein forms E6386G, E4685G.
Identifiers: ClinVar variation 465523 (VCV000465523.18), dbSNP rs200056050, ClinGen allele CA1907750.